The following is an entry in ClinVar:

NM_000260.4(MYO7A):c.1935+1G>C

Gene: MYO7A (myosin VIIA; plus strand). Cytogenetic location: 11q13.5.
Variant type: single nucleotide variant.
Coding change: c.1935+1G>C on transcript NM_000260.4 (MANE Select); the canonical splice donor site of the intron after coding-DNA position 1935, G replaced by C.
Molecular consequence: splice donor variant.
Genome position (GRCh38, 1-based): chr11:77,172,886, G>C. VCF-style: chr11-77172886-G-C. GRCh37 (hg19) VCF-style: chr11-76883932-G-C.
Other names: c.1902+1G>C (NM_001369365.1); c.1935+1G>C (NM_001127180.2).
Identifiers: ClinVar variation 550943 (VCV000550943.3), dbSNP rs1343207038, ClinGen allele CA381938640.
Genomic context (GRCh38, chr11:77,172,886, plus strand): 5'-GGTGCCTGCCAGCCCTTCTTTGTGCGATGCATCAAGCCCAATGAGTTCAAGAAGCCCATG[G>C]TGAGTGGCCCTGGCCTGGGGTTGGCGGGTGGCGGCTAGGGTGACGTGGAGGAGCTAGGTC-3'

ClinVar aggregate classification (germline): Likely pathogenic. Review status: criteria provided, single submitter (1 of 4 stars). 2 submissions from 2 submitters: Likely pathogenic (1). 1 of the submissions does not count toward it. Last evaluated 2025-11-12.

Conditions:
Autosomal recessive nonsyndromic hearing loss 2. Also called: DEAFNESS, AUTOSOMAL RECESSIVE 2; NEUROSENSORY NONSYNDROMIC RECESSIVE DEAFNESS 2. Identifiers: Orphanet 90636, MedGen C1838701, MONDO:0010807, OMIM 600060.
Usher syndrome type 1 (USH1). Also called: RETINITIS PIGMENTOSA AND CONGENITAL DEAFNESS. Identifiers: Orphanet 231169, Orphanet 886, MedGen C1568247, MONDO:0010168, OMIM 276900.
Usher syndrome type 1B (USH1B). Also called: Usher syndrome type IB. Identifiers: MedGen C1848638, MONDO:0700087.

Allele frequency attached by ClinVar (database versions not stated): gnomAD 0.00001; TOPMed 0.00001.
gnomAD v4.1: 1 of 1,549,790 alleles (0.000065%); highest among the groups gnomAD compares: Non-Finnish European, 0.000087%; no homozygotes.

Submissions (2):

Natera, Inc.
Classification: Likely pathogenic for Usher syndrome type 1B. Last evaluated: 2025-11-12. Review status: criteria provided, single submitter. Criteria: Natera Variant Classification Schema (03/2026). Collection method: clinical testing. Allele origin: germline.
Comment: The c.1935+1G>C variant in MYO7A is a canonical splice donor site variant predicted to affect pre-mRNA splicing, which may result in an abnormal transcript and altered protein product. This variant may result in a truncated or dysfunctional protein product. This variant is rare in the general population with a frequency below the threshold expected for the associated phenotype(s). This variant has been observed in one or more individuals affected with the associated recessive disease, as either homozygous or compound heterozygous with a second variant (PMID: 18181211, 33576794). Given the available evidence, this variant is classified as Likely Pathogenic.

Counsyl
Classification: Likely pathogenic for Usher syndrome type 1; Autosomal recessive nonsyndromic hearing loss 2. Last evaluated: 2017-03-02. Review status: no assertion criteria provided. Collection method: clinical testing. Allele origin: unknown. Not counted in ClinVar's aggregate classification.

Literature cited by the submitters: PubMed 18181211 (cited by Natera, Inc.); PubMed 33576794 (cited by Natera, Inc.).